The following is an entry in ClinVar:

NM_000059.4(BRCA2):c.5130del (p.Asp1709_Tyr1710insTer)

Gene: BRCA2 (BRCA2 DNA repair associated; plus strand). Cytogenetic location: 13q13.1.
Variant type: Deletion.
Coding change: c.5130del on transcript NM_000059.4 (MANE Select); coding-DNA position 5130, one base deleted (T; older notation c.5130delT).
Protein change: p.Asp1709_Tyr1710insTer.
Molecular consequence: nonsense.
Genome position (GRCh38, 1-based): chr13:32,339,485, T deleted. VCF-style (leftmost placement, unchanged base first): chr13-32339484-AT-A. GRCh37 (hg19) VCF-style: chr13-32913621-AT-A.
Other names: c.5130delT (NM_000059.3).
Identifiers: ClinVar variation 254550 (VCV000254550.2), dbSNP rs886038118, ClinGen allele CA10586535.
Genomic context (GRCh38, chr13:32,339,484, plus strand): 5'-AAAAATGGCTTAGAGAAGGAATATTTGATGGTCAACCAGAAAGAATAAATACTGCAGATT[AT>A]GTAGGAAATTATTTGTATGAAAATAATTCAAACAGTACTATAGCTGAAAATGACAAAAAT-3'

ClinVar aggregate classification (germline): Pathogenic (3 of 4 stars; one submission).

Conditions:
Breast-ovarian cancer, familial, susceptibility to, 2 (BROVCA2). Also called: BRCA2 Hereditary Breast and Ovarian Cancer. Identifiers: Orphanet 145, MedGen C2675520, MONDO:0012933, OMIM 612555. Disease mechanism: loss of function.

Submission:

Evidence-based Network for the Interpretation of Germline Mutant Alleles (ENIGMA)
Classification: Pathogenic for Breast-ovarian cancer, familial, susceptibility to, 2. Last evaluated: 2016-09-08. Review status: reviewed by expert panel. Criteria: ENIGMA BRCA1/2 Classification Criteria (2015). Collection method: curation. Allele origin: germline.
Comment: Variant allele predicted to encode a truncated non-functional protein.